The following is an entry in ClinVar:

ClinVar aggregate classification (germline): Likely pathogenic (1 of 4 stars; one submission).

Conditions:
Fabry disease. Also called: ALPHA-GALACTOSIDASE A DEFICIENCY; ANDERSON-FABRY DISEASE; CERAMIDE TRIHEXOSIDASE DEFICIENCY; GLA DEFICIENCY; HEREDITARY DYSTOPIC LIPIDOSIS; Angiokeratoma corporis diffusum. Identifiers: Orphanet 324, MedGen C0002986, MONDO:0010526, OMIM 301500, HP:0001071. Disease mechanism: Fabry disease is due to inactivating mutations in the X-linked GLA gene resulting in deficiency of the enzyme Alpha Galactosidase-A., loss of function.

Submission:

Genomenon, Inc
Classification: Likely pathogenic for Fabry disease. Last evaluated: 2026-09-08. Review status: criteria provided, single submitter. Criteria: Genomenon Sequence Variant Interpretation Standards - Updated. Collection method: curation. Allele origin: germline. Affected: yes.
Comment: GLA p.Gly361del (c.1078_1080del) is an in-frame deletion that results in the loss of Glycine at codon 361. This variant has been observed in at least one proband with clinical features consistent with Fabry disease (PMID:27560961;36816376;25900714;40784937;36165155). The variant was found to segregate with disease in at least one affected family (PMID:36816376). Functional or patient cell studies have been reported (PMID:27560961;36816376). It is absent or not present at a significant frequency in gnomAD. In conclusion, we classify GLA p.Gly361del (c.1078_1080del) as a likely pathogenic variant.

Literature cited by the submitters: PubMed 27560961; PubMed 36816376; PubMed 25900714; PubMed 40784937; PubMed 36165155.

NM_000169.3(GLA):c.1077TGG[1] (p.Gly361del)

Genes: GLA (galactosidase alpha; minus strand), RPL36A-HNRNPH2 (RPL36A-HNRNPH2 readthrough; plus strand). Cytogenetic location: Xq22.1.
Variant type: Microsatellite.
Coding change: c.1077TGG[1] on transcript NM_000169.3 (MANE Select); one copy of the 3-base unit TGG starting at c.1077; the reference has two copies in a row; one copy, 3 bases deleted; also written c.1080_1082del.
Protein change: p.Gly361del; deletes glycine 361.
Molecular consequence: inframe deletion. On other transcripts: non-coding transcript variant (3), intron variant (2).
Genome position (GRCh38, 1-based): chrX:101,398,017-101,398,019, CCA deleted on the plus strand (TGG on the coding strand, the reverse complement: GLA is on the minus strand); deleting any 3 consecutive bases within chrX:101,398,017-101,398,022 gives the same sequence; the position shown is the placement nearest the transcript's 3' end. VCF-style (leftmost placement, unchanged base first): chrX-101398016-TCCA-T. GRCh37 (hg19) VCF-style: chrX-100653004-TCCA-T.
Other names: c.1200TGG[1], p.Gly402del (NM_001406747.1); c.300+2563_300+2565del (NM_001199973.2); c.177+6198_177+6200del (NM_001199974.2); c.1080_1082del (NM_000169.3); short protein forms G361del, G402del.
Identifiers: ClinVar variation 4087174 (VCV004087174.2).